The following is an entry in ClinVar:

NM_000478.6(ALPL):c.113_116del (p.Lys38fs)

Gene: ALPL (alkaline phosphatase, biomineralization associated; plus strand). Cytogenetic location: 1p36.12.
Variant type: Deletion.
Coding change: c.113_116del on transcript NM_000478.6 (MANE Select); coding-DNA positions 113 to 116, 4 bases deleted (AATA; older notation c.113_116delAATA).
Protein change: p.Lys38fs; shifts the reading frame from lysine 38.
Molecular consequence: frameshift variant. On other transcripts: 5 prime UTR variant (1), initiator codon variant (1).
Genome position (GRCh38, 1-based): chr1:21,560,677-21,560,680, AATA deleted; deleting any 4 consecutive bases within chr1:21,560,676-21,560,680 gives the same sequence; the c. name uses the placement nearest the transcript's 3' end. VCF-style (leftmost placement, unchanged base first): chr1-21560675-GAAAT-G. GRCh37 (hg19) VCF-style: chr1-21887168-GAAAT-G.
Other names: c.-53_-50del (NM_001127501.4); c.-3_1del, p.Met1fs (NM_001177520.3); c.113_116del, p.Lys38fs (NM_001369803.2, NM_001369804.2, NM_001369805.2); short protein forms K38fs, M1fs.
Identifiers: ClinVar variation 4086833 (VCV004086833.2).

ClinVar aggregate classification (germline): Conflicting classifications of pathogenicity. Review status: criteria provided, conflicting classifications (1 of 4 stars). 2 submissions from 2 submitters: Pathogenic (1); Uncertain significance (1). Last evaluated 2026-04-14.

Conditions:
Hypophosphatasia. Also called: Phosphoethanol-aminuria. Identifiers: Orphanet 436, MedGen C0020630, MeSH D007014, MONDO:0018570.

Submissions (2):

JKU Lab, Dept of Paediatrics, Johannes Kepler University
Classification: Uncertain significance for Hypophosphatasia. Last evaluated: 2026-04-14. Review status: criteria provided, single submitter. Criteria: ACMG Guidelines, 2015. Collection method: curation. Allele origin: germline.
Comment: This in-frame variant is not present in GnomAD 4.1 and affects a highly conserved amino acid in the homodimeric interface domain. The REVEL score is not appicable. Splice-prediction algorithms predict no effect on splicing. This variant has been reported in the literature in individuals affected with ALPL-related conditions (PMID:38884565).

Genomenon, Inc
Classification: Pathogenic for Hypophosphatasia. Last evaluated: 2025-08-29. Review status: criteria provided, single submitter. Criteria: Genomenon Sequence Variant Interpretation Standards. Collection method: curation. Allele origin: germline. Affected: yes.
Comment: ALPL p.Lys38MetfsTer29 (c.113_116del) is a frameshift variant that results in the production of a truncated protein that is predicted to undergo nonsense-mediated mRNA decay. This variant has been observed in at least one proband affected with hypophosphatasia (PMID:38884565). The variant was found to segregate with disease in at least one affected family (PMID:38884565). It is absent or not present at a significant frequency in gnomAD. In conclusion, we classify ALPL p.Lys38MetfsTer29 (c.113_116del) as a pathogenic variant.

Literature cited by the submitters: PubMed 38884565 (cited by JKU Lab, Dept of Paediatrics, Johannes Kepler University and Genomenon, Inc).